The following is an entry in ClinVar:

ClinVar aggregate classification (germline): Benign. Review status: criteria provided, multiple submitters, no conflicts (2 of 4 stars). 2 submissions from 2 submitters: Benign (2). Last evaluated 2018-06-18.

Allele frequency attached by ClinVar (database versions not stated): TOPMed 0.01909; 1000 Genomes Project 0.02236; gnomAD 0.01854 and 0.01728; gnomAD exomes 0.00226; 1000 Genomes Project 30x 0.02186.
gnomAD v4.1: 6,018 of 1,591,562 alleles (0.38%); highest among the groups gnomAD compares: African/African-American, 6%; 144 homozygotes.

Submissions (4):

GeneDx
Classification: Benign. Last evaluated: 2018-06-18. Review status: criteria provided, single submitter. Criteria: GeneDx Variant Classification (06012015). Collection method: clinical testing. Allele origin: germline. Affected: yes.
Comment: This variant is considered likely benign or benign based on one or more of the following criteria: it is a conservative change, it occurs at a poorly conserved position in the protein, it is predicted to be benign by multiple in silico algorithms, and/or has population frequency not consistent with disease.

Breakthrough Genomics
Classification: Benign. Review status: criteria provided, single submitter. Criteria: ACMG Guidelines, 2015. Collection method: not provided. Allele origin: germline. Inheritance: Autosomal recessive inheritance. Affected: yes.

Dr. Peter K. Rogan Lab, Western University
No classification provided (evidence only). Condition: Thyroid cancer, nonmedullary, 1. Review status: no classification provided. Collection method: in vitro. Allele origin: not applicable. Functional consequence: retained intron. Not counted in ClinVar's aggregate classification.

Dr. Peter K. Rogan Lab, Western University
No classification provided (evidence only). Condition: Uterine corpus endometrial carcinoma. Review status: no classification provided. Collection method: in vitro. Allele origin: not applicable. Functional consequence: skipped exon. Not counted in ClinVar's aggregate classification.

NM_000520.6(HEXA):c.1526+79A>G

Gene: HEXA (hexosaminidase subunit alpha; minus strand). Cytogenetic location: 15q23.
Variant type: single nucleotide variant.
Coding change: c.1526+79A>G on transcript NM_000520.6 (MANE Select); 79 bases into the intron after coding-DNA position 1526, A replaced by G.
Molecular consequence: intron variant. On other transcripts: non-coding transcript variant (1).
Genome position (GRCh38, 1-based): chr15:72,345,367, T>C on the plus strand (A>G on the coding strand, the complement: HEXA is on the minus strand). VCF-style: chr15-72345367-T-C. GRCh37 (hg19) VCF-style: chr15-72637708-T-C.
Other names: c.1559+79A>G (NM_001318825.2).
Identifiers: ClinVar variation 673944 (VCV000673944.3), dbSNP rs2912218, ClinGen allele CA272608983.